The following is an entry in ClinVar:

NM_015335.5(MED13L):c.5504A>G (p.Asp1835Gly)

Gene: MED13L (mediator complex subunit 13L; minus strand). Cytogenetic location: 12q24.21.
Variant type: single nucleotide variant.
Coding change: c.5504A>G on transcript NM_015335.5 (MANE Select); coding-DNA position 5504, A replaced by G.
Protein change: p.Asp1835Gly; replaces aspartic acid 1835 with glycine.
Molecular consequence: missense variant.
Genome position (GRCh38, 1-based): chr12:115,975,599, T>C on the plus strand (A>G on the coding strand, the complement: MED13L is on the minus strand). VCF-style: chr12-115975599-T-C. GRCh37 (hg19) VCF-style: chr12-116413404-T-C.
Other names: short protein forms D1835G.
Identifiers: ClinVar variation 4796787 (VCV004796787.1).

ClinVar aggregate classification (germline): Uncertain significance (1 of 4 stars; one submission).

Conditions:
Cardiac anomalies - developmental delay - facial dysmorphism syndrome (MRFACD). Also called: MED13L Syndrome; Impaired intellectual development and distinctive facial features with or without cardiac defects. Identifiers: Orphanet 369891, MedGen C5192431, MONDO:0014773, OMIM 616789.

Submission:

MVZ Medizinische Genetik Mainz
Classification: Uncertain significance for Cardiac anomalies - developmental delay - facial dysmorphism syndrome. Last evaluated: 2026-01-16. Review status: criteria provided, single submitter. Criteria: UK Practice Guidelines For Variant Classification V4 01 2020. Collection method: clinical testing. Allele origin: germline. Inheritance: Autosomal dominant inheritance. Affected: yes. Observed: 1 variant allele.
Comment: ACMG Criteria: PP3_STR,PM2_SUP